The following is an entry in ClinVar:

NM_000038.6(APC):c.307G>A (p.Val103Ile)

Gene: APC (APC regulator of Wnt signaling pathway; plus strand). Cytogenetic location: 5q22.2.
Variant type: single nucleotide variant.
Coding change: c.307G>A on transcript NM_000038.6 (MANE Select); coding-DNA position 307, G replaced by A.
Protein change: p.Val103Ile; replaces valine 103 with isoleucine.
Molecular consequence: missense variant. On other transcripts: 5 prime UTR variant (4), non-coding transcript variant (2).
Genome position (GRCh38, 1-based): chr5:112,767,275, G>A. VCF-style: chr5-112767275-G-A. GRCh37 (hg19) VCF-style: chr5-112102972-G-A.
Other names: c.307G>A, p.Val103Ile (NM_001127510.3, NM_001354895.2, NM_001354896.2 and 16 more transcripts); c.337G>A, p.Val113Ile (NM_001127511.3, NM_001354897.2, NM_001354902.2 and 1 more transcripts); c.232G>A, p.Val78Ile (NM_001354898.2, NM_001354904.2, NM_001407451.1); c.130G>A, p.Val44Ile (NM_001354900.2, NM_001354901.2, NM_001354905.2 and 1 more transcripts); c.-729G>A (NM_001354906.2, NM_001407470.1, NM_001407471.1 and 1 more transcripts); short protein forms V113I, V103I, V44I, V78I.
Identifiers: ClinVar variation 2869704 (VCV002869704.3), dbSNP rs758995578, ClinGen allele CA034390.

ClinVar aggregate classification (germline): Uncertain significance (1 of 4 stars; one submission).

Conditions:
Familial adenomatous polyposis 1 (FAP1). Also called: FAMILIAL ADENOMATOUS POLYPOSIS 1, ATTENUATED; POLYPOSIS, ADENOMATOUS INTESTINAL. Identifiers: MedGen C2713442, MONDO:0021056, OMIM 175100. Disease mechanism: loss of function.

Allele frequency attached by ClinVar (database versions not stated): gnomAD exomes below 0.00001; ExAC 0.00001.
gnomAD v4.1: 1 of 1,614,132 alleles (0.000062%); highest among the groups gnomAD compares: Non-Finnish European, 0.000085%; no homozygotes.

Submission:

Labcorp Genetics (formerly Invitae), Labcorp
Classification: Uncertain significance for Familial adenomatous polyposis 1. Last evaluated: 2023-07-18. Review status: criteria provided, single submitter. Criteria: Invitae Variant Classification Sherloc (09022015). Collection method: clinical testing. Allele origin: germline.
Comment: This sequence change replaces valine, which is neutral and non-polar, with isoleucine, which is neutral and non-polar, at codon 103 of the APC protein (p.Val103Ile). This variant is present in population databases (rs758995578, gnomAD 0.0009%). This variant has not been reported in the literature in individuals affected with APC-related conditions. Advanced modeling of protein sequence and biophysical properties (such as structural, functional, and spatial information, amino acid conservation, physicochemical variation, residue mobility, and thermodynamic stability) performed at Invitae indicates that this missense variant is not expected to disrupt APC protein function. In summary, the available evidence is currently insufficient to determine the role of this variant in disease. Therefore, it has been classified as a Variant of Uncertain Significance.